The following is an entry in ClinVar:

ClinVar aggregate classification (germline): Likely benign. Review status: criteria provided, multiple submitters, no conflicts (2 of 4 stars). 2 submissions from 2 submitters: Likely benign (2). Last evaluated 2025-10-24.

Conditions:
ABCA4-related disorder. Also called: ABCA4-related condition; ABCA4-related disorders. Identifiers: MedGen CN239167.

Allele frequency attached by ClinVar (database versions not stated): gnomAD exomes 0.00001; ExAC 0.00002; gnomAD 0.00002; TOPMed 0.00003.
gnomAD v4.1: 6 of 1,613,998 alleles (0.00037%); highest among the groups gnomAD compares: African/African-American, 0.004%; no homozygotes.

Submissions (2):

PreventionGenetics, part of Exact Sciences
Classification: Likely benign for ABCA4-related condition. Last evaluated: 2025-10-24. Review status: criteria provided, single submitter. Criteria: ACMG Guidelines, 2015. Collection method: clinical testing. Allele origin: germline.
Comment: This variant is classified as likely benign based on ACMG/AMP sequence variant interpretation guidelines (Richards et al. 2015 PMID: 25741868, with internal and published modifications).

Labcorp Genetics (formerly Invitae), Labcorp
Classification: Likely benign. Last evaluated: 2023-10-25. Review status: criteria provided, single submitter. Criteria: Invitae Variant Classification Sherloc (09022015). Collection method: clinical testing. Allele origin: germline.

NM_000350.3(ABCA4):c.2748C>T (p.Ser916=)

Gene: ABCA4 (ATP binding cassette subfamily A member 4; minus strand). Cytogenetic location: 1p22.1.
Variant type: single nucleotide variant.
Coding change: c.2748C>T on transcript NM_000350.3 (MANE Select); coding-DNA position 2748, C replaced by T.
Protein change: p.Ser916=; no amino-acid change (serine 916 retained).
Molecular consequence: synonymous variant.
Genome position (GRCh38, 1-based): chr1:94,047,089, G>A on the plus strand (C>T on the coding strand, the complement: ABCA4 is on the minus strand). VCF-style: chr1-94047089-G-A. GRCh37 (hg19) VCF-style: chr1-94512645-G-A.
Other names: c.2748C>T (NM_000350.2); c.2526C>T, p.Ser842= (NM_001425324.1).
Identifiers: ClinVar variation 2063979 (VCV002063979.5), dbSNP rs770126838, ClinGen allele CA958165.